The following is an entry in ClinVar:

ClinVar aggregate classification (germline): Conflicting classifications of pathogenicity. Review status: criteria provided, conflicting classifications (1 of 4 stars). 2 submissions from 2 submitters: Uncertain significance (1); Likely benign (1). Last evaluated 2025-07-16.

Conditions:
Hereditary cancer-predisposing syndrome. Also called: Neoplastic Syndromes, Hereditary; Tumor predisposition; Hereditary Cancer Syndrome; Hereditary neoplastic syndrome. Identifiers: Orphanet 140162, MedGen C0027672, MeSH D009386, MONDO:0015356.

Allele frequency attached by ClinVar (database versions not stated): gnomAD exomes below 0.00001; ExAC 0.00001.

Submissions (2):

Labcorp Genetics (formerly Invitae), Labcorp
Classification: Uncertain significance. Last evaluated: 2025-07-16. Review status: criteria provided, single submitter. Criteria: Invitae Variant Classification Sherloc (09022015). Collection method: clinical testing. Allele origin: germline.
Comment: This sequence change replaces lysine, which is basic and polar, with asparagine, which is neutral and polar, at codon 533 of the CTNNA1 protein (p.Lys533Asn). This variant is present in population databases (rs759542721, gnomAD 0.006%). This variant has not been reported in the literature in individuals affected with CTNNA1-related conditions. ClinVar contains an entry for this variant (Variation ID: 819639). Invitae Evidence Modeling of protein sequence and biophysical properties (such as structural, functional, and spatial information, amino acid conservation, physicochemical variation, residue mobility, and thermodynamic stability) indicates that this missense variant is not expected to disrupt CTNNA1 protein function with a negative predictive value of 80%. In summary, the available evidence is currently insufficient to determine the role of this variant in disease. Therefore, it has been classified as a Variant of Uncertain Significance.

Ambry Genetics
Classification: Likely benign for Hereditary cancer-predisposing syndrome. Last evaluated: 2025-06-24. Review status: criteria provided, single submitter. Criteria: Ambry Variant Classification Scheme 2023. Collection method: clinical testing. Allele origin: germline.

NM_001903.5(CTNNA1):c.1599G>C (p.Lys533Asn)

Gene: CTNNA1 (catenin alpha 1; plus strand). Cytogenetic location: 5q31.2.
Variant type: single nucleotide variant.
Coding change: c.1599G>C on transcript NM_001903.5 (MANE Select); coding-DNA position 1599, G replaced by C.
Protein change: p.Lys533Asn; replaces lysine 533 with asparagine.
Molecular consequence: missense variant.
Genome position (GRCh38, 1-based): chr5:138,924,562, G>C. VCF-style: chr5-138924562-G-C. GRCh37 (hg19) VCF-style: chr5-138260251-G-C.
Other names: c.1599G>C, p.Lys533Asn (NM_001290307.3, NM_001323982.2, NM_001323983.1 and 2 more transcripts); c.1290G>C, p.Lys430Asn (NM_001290309.3); c.1230G>C, p.Lys410Asn (NM_001290310.3); c.489G>C, p.Lys163Asn (NM_001290312.1, NM_001323987.1, NM_001323988.1 and 17 more transcripts); c.1506G>C, p.Lys502Asn (NM_001323986.2); c.150G>C, p.Lys50Asn (NM_001324006.1, NM_001324007.1, NM_001324008.1 and 2 more transcripts); c.396G>C, p.Lys132Asn (NM_001324011.1); c.246G>C, p.Lys82Asn (NM_001324012.1, NM_001324013.1); short protein forms K132N, K502N, K50N, K163N, K430N, K410N, K533N, K82N.
Identifiers: ClinVar variation 819639 (VCV000819639.15), dbSNP rs759542721, ClinGen allele CA3431996.